The following is an entry in ClinVar:

NM_001114134.2(EPB42):c.1007G>C (p.Arg336Pro)

Gene: EPB42 (erythrocyte membrane protein band 4.2; minus strand). Cytogenetic location: 15q15.2.
Variant type: single nucleotide variant.
Coding change: c.1007G>C on transcript NM_001114134.2 (MANE Select); coding-DNA position 1007, G replaced by C.
Protein change: p.Arg336Pro; replaces arginine 336 with proline.
Molecular consequence: missense variant.
Genome position (GRCh38, 1-based): chr15:43,208,298, C>G on the plus strand (G>C on the coding strand, the complement: EPB42 is on the minus strand). VCF-style: chr15-43208298-C-G. GRCh37 (hg19) VCF-style: chr15-43500496-C-G.
Other names: c.1097G>C, p.Arg366Pro (NM_000119.3); short protein forms R336P, R366P.
Identifiers: ClinVar variation 3772490 (VCV003772490.13).

ClinVar aggregate classification (germline): Uncertain significance (1 of 4 stars; one submission).

Submission:

CeGaT Center for Human Genetics Tuebingen
Classification: Uncertain significance. Last evaluated: 2025-02-01. Review status: criteria provided, single submitter. Criteria: CeGaT Center For Human Genetics Tuebingen Variant Classification Criteria Version 2. Collection method: clinical testing. Allele origin: germline. Affected: yes. Observed: 1 variant allele.
Comment: EPB42: PM2, BP4